The following is an entry in ClinVar:

NM_000264.5(PTCH1):c.4138G>T (p.Ala1380Ser)

Gene: PTCH1 (patched 1; minus strand). Cytogenetic location: 9q22.32.
Variant type: single nucleotide variant.
Coding change: c.4138G>T on transcript NM_000264.5 (MANE Select); coding-DNA position 4138, G replaced by T.
Protein change: p.Ala1380Ser; replaces alanine 1380 with serine.
Molecular consequence: missense variant. On other transcripts: non-coding transcript variant (1).
Genome position (GRCh38, 1-based): chr9:95,447,118, C>A on the plus strand (G>T on the coding strand, the complement: PTCH1 is on the minus strand). VCF-style: chr9-95447118-C-A. GRCh37 (hg19) VCF-style: chr9-98209400-C-A.
Other names: c.3940G>T, p.Ala1314Ser (NM_001083602.3); c.4135G>T, p.Ala1379Ser (NM_001083603.3); c.3685G>T, p.Ala1229Ser (NM_001083604.3, NM_001083605.3, NM_001083606.3 and 1 more transcripts); c.3982G>T, p.Ala1328Ser (NM_001354918.2); short protein forms A1314S, A1328S, A1380S, A1229S, A1379S.
Identifiers: ClinVar variation 647327 (VCV000647327.11), dbSNP rs111481152, ClinGen allele CA374110243.
Genomic context (GRCh38, chr9:95,447,118, plus strand): 5'-CTGGGCAGAGTCCCCCTCGGGGGTTCCGCCCAGGCCCAGGGACAGGCGGCGGGTGCACGG[C>A]GACAGTCACGGAGGCAGAAGCCGTCACAGTGGTGATGGGCTGGCAGTAGCCGGGCACGGA-3'
Protein context (NP_000255.2, residues 1370-1390): TVTASASVTV[Ala1380Ser]VHPPPVPGPG

ClinVar aggregate classification (germline): Uncertain significance (1 of 4 stars; one submission).

Conditions:
Gorlin syndrome. Also called: Basal cell nevus syndrome; Nevoid Basal Cell Carcinoma Syndrome. Identifiers: Orphanet 377, MedGen C0004779, MONDO:0007187.

Submission:

Labcorp Genetics (formerly Invitae), Labcorp
Classification: Uncertain significance for Gorlin syndrome. Last evaluated: 2025-07-15. Review status: criteria provided, single submitter. Criteria: Invitae Variant Classification Sherloc (09022015). Collection method: clinical testing. Allele origin: germline.
Comment: This sequence change replaces alanine, which is neutral and non-polar, with serine, which is neutral and polar, at codon 1380 of the PTCH1 protein (p.Ala1380Ser). This variant is not present in population databases (gnomAD no frequency). This variant has not been reported in the literature in individuals affected with PTCH1-related conditions. ClinVar contains an entry for this variant (Variation ID: 647327). Invitae Evidence Modeling of protein sequence and biophysical properties (such as structural, functional, and spatial information, amino acid conservation, physicochemical variation, residue mobility, and thermodynamic stability) indicates that this missense variant is not expected to disrupt PTCH1 protein function with a negative predictive value of 95%. In summary, the available evidence is currently insufficient to determine the role of this variant in disease. Therefore, it has been classified as a Variant of Uncertain Significance.